The following is an entry in ClinVar:

ClinVar aggregate classification (germline): Uncertain significance. Review status: criteria provided, single submitter (1 of 4 stars). 2 submissions from 2 submitters: Uncertain significance (1). 1 of the submissions does not count toward it. Last evaluated 2020-12-15.

Conditions:
Congenital myasthenic syndrome 4A. Also called: CONGENITAL MYASTHENIC SYNDROME TYPE Ia1; Myasthenic syndrome, congenital, 4a, slow-channel; MYASTHENIC SYNDROME, CONGENITAL, 4A, SLOW-CHANNEL, AUTOSOMAL RECESSIVE. Identifiers: Orphanet 590, MedGen C4225413, MONDO:0011600, OMIM 605809.
Congenital myasthenic syndrome 4C (CMS4C). Also called: Myasthenic syndrome, congenital, associated with acetylcholine receptor deficiency. Identifiers: Orphanet 590, MedGen C1837091, MONDO:0012157, OMIM 608931.
Congenital myasthenic syndrome 4B. Also called: Myasthenic syndrome, congenital, 4b, fast-channel. Identifiers: Orphanet 590, MedGen C4225369, MONDO:0014586, OMIM 616324.
Congenital myasthenic syndrome (CMS). Also called: Congenital Myasthenic Syndromes. Identifiers: Orphanet 590, MedGen C0751882, MeSH D020294, MONDO:0018940.

Submissions (2):

Kariminejad - Najmabadi Pathology & Genetics Center
Classification: Uncertain significance for Congenital myasthenic syndrome 4A; Congenital myasthenic syndrome 4B; Congenital myasthenic syndrome 4C. Last evaluated: 2020-12-15. Review status: criteria provided, single submitter. Criteria: ACMG Guidelines, 2015. Collection method: clinical testing. Allele origin: germline. Inheritance: Autosomal recessive inheritance. Affected: yes.
Comment: PM2, PP3

Natera, Inc.
Classification: Uncertain significance for Congenital myasthenic syndrome. Last evaluated: 2025-05-08. Review status: no assertion criteria provided. Collection method: clinical testing. Allele origin: germline. Not counted in ClinVar's aggregate classification.

NM_000080.4(CHRNE):c.1326G>A (p.Glu442=)

Gene: CHRNE (cholinergic receptor nicotinic epsilon subunit; minus strand). Cytogenetic location: 17p13.2.
Variant type: single nucleotide variant.
Coding change: c.1326G>A on transcript NM_000080.4 (MANE Select); coding-DNA position 1326, G replaced by A.
Protein change: p.Glu442=; no amino-acid change (glutamic acid 442 retained).
Molecular consequence: synonymous variant.
Genome position (GRCh38, 1-based): chr17:4,899,001, C>T on the plus strand (G>A on the coding strand, the complement: CHRNE is on the minus strand). VCF-style: chr17-4899001-C-T. GRCh37 (hg19) VCF-style: chr17-4802296-C-T.
Identifiers: ClinVar variation 3896806 (VCV003896806.2).